The following is an entry in ClinVar:

ClinVar aggregate classification (germline): Pathogenic (1 of 4 stars; one submission).

Conditions:
Medium-chain acyl-coenzyme A dehydrogenase deficiency (ACADMD). Also called: MCADH DEFICIENCY; Medium chain acyl-CoA dehydrogenase deficiency; MCADD; CARNITINE DEFICIENCY SECONDARY TO MEDIUM-CHAIN ACYL-CoA DEHYDROGENASE DEFICIENCY; MCAD Deficiency; ACADM DEFICIENCY. Identifiers: Orphanet 42, MedGen C0220710, MONDO:0008721, OMIM 201450.

Submission:

Labcorp Genetics (formerly Invitae), Labcorp
Classification: Pathogenic for Medium-chain acyl-coenzyme A dehydrogenase deficiency. Last evaluated: 2023-12-12. Review status: criteria provided, single submitter. Criteria: Invitae Variant Classification Sherloc (09022015). Collection method: clinical testing. Allele origin: germline.
Comment: This sequence change creates a premature translational stop signal (p.Ala288Leufs*4) in the ACADM gene. It is expected to result in an absent or disrupted protein product. Loss-of-function variants in ACADM are known to be pathogenic (PMID: 16121256, 20434380). This variant is not present in population databases (gnomAD no frequency). This variant has not been reported in the literature in individuals affected with ACADM-related conditions. For these reasons, this variant has been classified as Pathogenic.

Literature cited by the submitters: PubMed 16121256; PubMed 20434380.

NM_000016.6(ACADM):c.862del (p.Ala288fs)

Gene: ACADM (acyl-CoA dehydrogenase medium chain; plus strand). Cytogenetic location: 1p31.1.
Variant type: Deletion.
Coding change: c.862del on transcript NM_000016.6 (MANE Select); coding-DNA position 862, one base deleted (G; older notation c.862delG).
Protein change: p.Ala288fs; shifts the reading frame from alanine 288.
Molecular consequence: frameshift variant.
Genome position (GRCh38, 1-based): chr1:75,750,463, G deleted. VCF-style (leftmost placement, unchanged base first): chr1-75750462-TG-T. GRCh37 (hg19) VCF-style: chr1-76216147-TG-T.
Other names: c.874del, p.Ala292fs (NM_001127328.3); c.754del, p.Ala252fs (NM_001286042.2); c.961del, p.Ala321fs (NM_001286043.2); c.295del, p.Ala99fs (NM_001286044.2); short protein forms A292fs, A99fs, A321fs, A288fs, A252fs.
Identifiers: ClinVar variation 2702470 (VCV002702470.3), dbSNP rs2525652620, ClinGen allele CA2697552478.